The following is an entry in ClinVar:

ClinVar aggregate classification (germline): Likely benign. Review status: criteria provided, multiple submitters, no conflicts (2 of 4 stars). 4 submissions from 4 submitters: Likely benign (4). Last evaluated 2025-05-28.

Conditions:
Charcot-Marie-Tooth disease type 4. Also called: Charcot-Marie-Tooth disease, type IV; Charcot-Marie-Tooth, Type 4. Identifiers: Orphanet 64749, MedGen C4082197, MONDO:0018995.
Inborn genetic diseases. Identifiers: MedGen C0950123, MeSH D030342.

Allele frequency attached by ClinVar (database versions not stated): ExAC 0.00015; ESP Exome Variant Server 0.00015; 1000 Genomes Project 30x 0.00016; TOPMed 0.00017; 1000 Genomes Project 0.00020; gnomAD 0.00020 and 0.00021; gnomAD exomes 0.00022.
gnomAD v4.1: 161 of 1,613,440 alleles (0.01%); highest among the groups gnomAD compares: African/African-American, 0.041%; no homozygotes.

Submissions (4):

Labcorp Genetics (formerly Invitae), Labcorp
Classification: Likely benign for Charcot-Marie-Tooth disease type 4. Last evaluated: 2025-05-28. Review status: criteria provided, single submitter. Criteria: Invitae Variant Classification Sherloc (09022015). Collection method: clinical testing. Allele origin: germline.

Mayo Clinic Laboratories, Mayo Clinic
Classification: Likely benign. Last evaluated: 2025-04-29. Review status: criteria provided, single submitter. Criteria: ACMG Guidelines, 2015. Collection method: clinical testing. Allele origin: germline. Observed: 2 variant alleles.
Comment: BS1, BP4, BP7

Ambry Genetics
Classification: Likely benign for Inborn genetic diseases. Last evaluated: 2019-07-11. Review status: criteria provided, single submitter. Criteria: Ambry Variant Classification Scheme 2023. Collection method: clinical testing. Allele origin: germline.

GeneDx
Classification: Likely benign. Last evaluated: 2016-01-06. Review status: criteria provided, single submitter. Criteria: GeneDx Variant Classification (06012015). Collection method: clinical testing. Allele origin: germline. Affected: yes.
Comment: This variant is considered likely benign or benign based on one or more of the following criteria: it is a conservative change, it occurs at a poorly conserved position in the protein, it is predicted to be benign by multiple in silico algorithms, and/or has population frequency not consistent with disease.

NM_001370298.3(FGD4):c.2193C>T (p.Ser731=)

Gene: FGD4 (FYVE, RhoGEF and PH domain containing 4; plus strand). Cytogenetic location: 12p11.21.
Variant type: single nucleotide variant.
Coding change: c.2193C>T on transcript NM_001370298.3 (MANE Select); coding-DNA position 2193, C replaced by T.
Protein change: p.Ser731=; no amino-acid change (serine 731 retained).
Molecular consequence: synonymous variant.
Genome position (GRCh38, 1-based): chr12:32,633,569, C>T. VCF-style: chr12-32633569-C-T. GRCh37 (hg19) VCF-style: chr12-32786503-C-T.
Other names: p.Ser594=; c.2037C>T, p.Ser679= (NM_001304481.2); c.1038C>T, p.Ser346= (NM_001304483.2); c.750C>T, p.Ser250= (NM_001304484.2); c.1503C>T, p.Ser501= (NM_001330373.2, NM_001330374.2, NM_001384130.1); c.1230C>T, p.Ser410= (NM_001370297.1); c.2193C>T, p.Ser731= (NM_001384126.1); c.1782C>T, p.Ser594= (NM_001384127.1, NM_001384128.1, NM_001385118.1 and 1 more transcripts).
Identifiers: ClinVar variation 382656 (VCV000382656.15), dbSNP rs147136365, ClinGen allele CA6507021.